The following is an entry in ClinVar:

ClinVar aggregate classification (germline): Likely benign (1 of 4 stars; one submission).

gnomAD v4.1: 43 of 1,612,576 alleles (0.0027%); highest among the groups gnomAD compares: Non-Finnish European, 0.0036%; no homozygotes.

Submission:

CeGaT Center for Human Genetics Tuebingen
Classification: Likely benign. Last evaluated: 2025-08-01. Review status: criteria provided, single submitter. Criteria: CeGaT Center For Human Genetics Tuebingen Variant Classification Criteria Version 2. Collection method: clinical testing. Allele origin: germline. Affected: yes. Observed: 1 variant allele.
Comment: NRXN2: BP4, BP7

NM_015080.4(NRXN2):c.4059G>A (p.Thr1353=)

Gene: NRXN2 (neurexin 2; minus strand). Cytogenetic location: 11q13.1.
Variant type: single nucleotide variant.
Coding change: c.4059G>A on transcript NM_015080.4 (MANE Select); coding-DNA position 4059, G replaced by A.
Protein change: p.Thr1353=; no amino-acid change (threonine 1353 retained).
Molecular consequence: synonymous variant.
Genome position (GRCh38, 1-based): chr11:64,622,867, C>T on the plus strand (G>A on the coding strand, the complement: NRXN2 is on the minus strand). VCF-style: chr11-64622867-C-T. GRCh37 (hg19) VCF-style: chr11-64390339-C-T.
Other names: c.4059G>A, p.Thr1353= (NM_001376262.1); c.4038G>A, p.Thr1346= (NM_001376263.1); c.4014G>A, p.Thr1338= (NM_001376265.1); c.4035G>A, p.Thr1345= (NM_001376266.1); c.3948G>A, p.Thr1316= (NM_001376267.1); c.684G>A, p.Thr228= (NM_001400681.1); c.594G>A, p.Thr198= (NM_001400682.1); c.3849G>A, p.Thr1283= (NM_138732.3); and 1 more.
Identifiers: ClinVar variation 4084339 (VCV004084339.8).